The following is an entry in ClinVar:

NM_001376.5(DYNC1H1):c.7577T>A (p.Leu2526Gln)

Gene: DYNC1H1 (dynein cytoplasmic 1 heavy chain 1; plus strand). Cytogenetic location: 14q32.31.
Variant type: single nucleotide variant.
Coding change: c.7577T>A on transcript NM_001376.5 (MANE Select); coding-DNA position 7577, T replaced by A.
Protein change: p.Leu2526Gln; replaces leucine 2526 with glutamine.
Molecular consequence: missense variant.
Genome position (GRCh38, 1-based): chr14:102,016,452, T>A. VCF-style: chr14-102016452-T-A. GRCh37 (hg19) VCF-style: chr14-102482789-T-A.
Other names: short protein forms L2526Q.
Identifiers: ClinVar variation 4883000 (VCV004883000.2).

ClinVar aggregate classification (germline): Uncertain significance (1 of 4 stars; one submission).

Conditions:
Cortical dysplasia, complex, with other brain malformations 13. Also called: Intellectual disability, autosomal dominant 13. Identifiers: MedGen C3281202, MONDO:0013805, OMIM 614563.

Submission:

Dasa
Classification: Uncertain significance for Cortical dysplasia, complex, with other brain malformations 13. Last evaluated: 2026-01-28. Review status: criteria provided, single submitter. Criteria: DASA Assertion Criteria. Collection method: clinical testing. Allele origin: germline.
Comment: NM_001376.5(DYNC1H1):c.7577T>A (p.Leu2526Gln) is a missense variant that results in the substitution of leucine with glutamine. This variant is absent from population databases. The currently available literature and clinical evidence are not sufficient to establish a definitive association between this variant and the reported condition. Therefore, this variant is classified as a variant of uncertain significance.